The following is an entry in ClinVar:

ClinVar aggregate classification (germline): Uncertain significance. Review status: criteria provided, multiple submitters, no conflicts (2 of 4 stars). 2 submissions from 2 submitters: Uncertain significance (2). Last evaluated 2024-04-01.

Conditions:
Inborn genetic diseases. Identifiers: MedGen C0950123, MeSH D030342.

Allele frequency attached by ClinVar (database versions not stated): gnomAD exomes below 0.00001; TOPMed below 0.00001.
gnomAD v4.1: 1 of 1,612,682 alleles (0.000062%); highest among the groups gnomAD compares: Non-Finnish European, 0.000085%; no homozygotes.

Submissions (2):

Ambry Genetics
Classification: Uncertain significance for Inborn genetic diseases. Last evaluated: 2024-04-01. Review status: criteria provided, single submitter. Criteria: Ambry Variant Classification Scheme 2023. Collection method: clinical testing. Allele origin: germline.

GeneDx
Classification: Uncertain significance. Last evaluated: 2016-11-07. Review status: criteria provided, single submitter. Criteria: GeneDx Variant Classification (06012015). Collection method: clinical testing. Allele origin: germline. Affected: yes.
Comment: The S1803Y variant in the ANK3 gene has not been reported previously as a pathogenic variant, nor as a benign variant, to our knowledge. The S1803Y variant was not observed in approximately 6,500 individuals of European and African American ancestry in the NHLBI Exome Sequencing Project, indicating it is not a common benign variant in these populations. The S1803Y variant is a semi-conservative amino acid substitution, which may impact secondary protein structure as these residues differ in some properties. This substitution occurs at a position that is conserved in mammals. In silico analysis is inconsistent in its predictions as to whether or not the variant is damaging to the protein structure/function. We interpret S1803Y as a variant of uncertain significance.

NM_020987.5(ANK3):c.5408C>A (p.Ser1803Tyr)

Gene: ANK3 (ankyrin 3; minus strand). Cytogenetic location: 10q21.2.
Variant type: single nucleotide variant.
Coding change: c.5408C>A on transcript NM_020987.5 (MANE Select); coding-DNA position 5408, C replaced by A.
Protein change: p.Ser1803Tyr; replaces serine 1803 with tyrosine.
Molecular consequence: missense variant. On other transcripts: intron variant (4).
Genome position (GRCh38, 1-based): chr10:60,075,473, G>T on the plus strand (C>A on the coding strand, the complement: ANK3 is on the minus strand). VCF-style: chr10-60075473-G-T. GRCh37 (hg19) VCF-style: chr10-61835231-G-T.
Other names: c.4387+5064C>A (NM_001204403.2); c.4408+5064C>A (NM_001204404.2); c.4405+5064C>A (NM_001320874.2); c.1807+5064C>A (NM_001149.4); short protein forms S1803Y.
Identifiers: ClinVar variation 390431 (VCV000390431.3), dbSNP rs1057523766, ClinGen allele CA16606670.